The following is an entry in ClinVar:

ClinVar aggregate classification (germline): Uncertain significance. Review status: criteria provided, multiple submitters, no conflicts (2 of 4 stars). 2 submissions from 2 submitters: Uncertain significance (2). Last evaluated 2025-10-31.

Conditions:
CDC14A-related disorder. Also called: CDC14A-related condition.
Inborn genetic diseases. Identifiers: MedGen C0950123, MeSH D030342.

Submissions (2):

PreventionGenetics, part of Exact Sciences
Classification: Uncertain significance for CDC14A-related condition. Last evaluated: 2025-10-31. Review status: criteria provided, single submitter. Criteria: ACMG Guidelines, 2015. Collection method: clinical testing. Allele origin: germline.
Comment: The CDC14A c.254C>G variant is predicted to result in the amino acid substitution p.Thr85Ser. To our knowledge, this variant has not been reported in the literature or in a large population database (gnomAD), indicating this variant is rare. At this time, the clinical significance of this variant is uncertain due to the absence of conclusive functional and genetic evidence.

Ambry Genetics
Classification: Uncertain significance for Inborn genetic diseases. Last evaluated: 2022-08-31. Review status: criteria provided, single submitter. Criteria: Ambry Variant Classification Scheme 2023. Collection method: clinical testing. Allele origin: germline.
Comment: The c.254C>G (p.T85S) alteration is located in exon 4 (coding exon 4) of the CDC14A gene. This alteration results from a C to G substitution at nucleotide position 254, causing the threonine (T) at amino acid position 85 to be replaced by a serine (S). This variant was not reported in population-based cohorts in the Genome Aggregation Database (gnomAD). This amino acid position is highly conserved in available vertebrate species. This alteration is predicted to be tolerated by in silico analysis. Based on insufficient or conflicting evidence, the clinical significance of this alteration remains unclear.

NM_003672.4(CDC14A):c.254C>G (p.Thr85Ser)

Gene: CDC14A (cell division cycle 14A; plus strand). Cytogenetic location: 1p21.2.
Variant type: single nucleotide variant.
Coding change: c.254C>G on transcript NM_003672.4 (MANE Select); coding-DNA position 254, C replaced by G.
Protein change: p.Thr85Ser; replaces threonine 85 with serine.
Molecular consequence: missense variant. On other transcripts: 5 prime UTR variant (1).
Genome position (GRCh38, 1-based): chr1:100,390,769, C>G. VCF-style: chr1-100390769-C-G. GRCh37 (hg19) VCF-style: chr1-100856325-C-G.
Other names: c.254C>G, p.Thr85Ser (NM_001319210.2, NM_033312.3, NM_033313.3); c.80C>G, p.Thr27Ser (NM_001319211.2); c.-538C>G (NM_001319212.2); short protein forms T27S, T85S.
Identifiers: ClinVar variation 2300227 (VCV002300227.3), dbSNP rs2524017246, ClinGen allele CA341351333.